The following is an entry in ClinVar:

ClinVar aggregate classification (germline): Likely pathogenic (1 of 4 stars; one submission).

Conditions:
Hyper-IgE recurrent infection syndrome 3, autosomal recessive. Also called: Autosomal recessive hyper-IgE syndrome due to ZNF341 deficiency; HYPER-IgE SYNDROME 3, AUTOSOMAL RECESSIVE, WITH RECURRENT INFECTIONS. Identifiers: Orphanet 641368, MedGen C4748969, MONDO:0032654, OMIM 618282.

Submission:

Labcorp Genetics (formerly Invitae), Labcorp
Classification: Likely pathogenic for Combined immunodeficiency due to DOCK8 deficiency. Last evaluated: 2022-12-20. Review status: criteria provided, single submitter. Criteria: Invitae Variant Classification Sherloc (09022015). Collection method: clinical testing. Allele origin: germline.
Comment: In summary, the currently available evidence indicates that the variant is pathogenic, but additional data are needed to prove that conclusively. Therefore, this variant has been classified as Likely Pathogenic. This variant has not been reported in the literature in individuals affected with DOCK8-related conditions. This variant results in a copy number gain of the genomic region encompassing exon(s) 15-30 of the DOCK8 gene. While the exact position of this variant cannot be determined from the data, sub-genic copy number gains are generally in tandem (PMID: 25640679). This variant is predicted to be out-of-frame, and may result in an absent or disrupted protein product. Loss-of-function variants in DOCK8 are known to be pathogenic (PMID: 14722525, 19776401).

Literature cited by the submitters: PubMed 25640679; PubMed 14722525; PubMed 19776401.

NC_000009.11:g.(?_367998)_(418227_?)dup

Gene: DOCK8 (dedicator of cytokinesis 8; plus strand). Cytogenetic location: 9p24.3.
Variant type: Duplication.
Identifiers: ClinVar variation 2427713 (VCV002427713.8).